The following is an entry in ClinVar:

ClinVar aggregate classification (germline): Benign. Review status: criteria provided, multiple submitters, no conflicts (2 of 4 stars). 6 submissions from 6 submitters: Benign (6). Last evaluated 2024-11-27.

Conditions:
Amelogenesis imperfecta hypomaturation type 2A2. Also called: AMELOGENESIS IMPERFECTA, PIGMENTED HYPOMATURATION TYPE, 2; Amelogenesis imperfecta, type IIA2; Amelogenesis imperfecta, hypomaturation type, IIA2. Identifiers: Orphanet 88661, MedGen C2675858, MONDO:0012926, OMIM 612529. Disease mechanism: loss of function.

Allele frequency attached by ClinVar (database versions not stated): ESP Exome Variant Server 0.63742; gnomAD 0.64460 and 0.64854; TOPMed 0.65306; gnomAD exomes 0.66514; 1000 Genomes Project 30x 0.67255; 1000 Genomes Project 0.67652.

Submissions (6):

Blueprint Genetics
Classification: Benign. Last evaluated: 2024-11-27. Review status: criteria provided, single submitter. Criteria: ACMG Guidelines, 2015. Collection method: clinical testing. Allele origin: germline.

Genome-Nilou Lab
Classification: Benign for Amelogenesis imperfecta hypomaturation type 2A2. Last evaluated: 2021-09-05. Review status: criteria provided, single submitter. Criteria: ACMG Guidelines, 2015. Collection method: clinical testing. Allele origin: germline. Affected: no.

GeneDx
Classification: Benign. Last evaluated: 2018-11-12. Review status: criteria provided, single submitter. Criteria: GeneDx Variant Classification Process June 2021. Collection method: clinical testing. Allele origin: germline. Affected: yes.

Illumina Laboratory Services, Illumina
Classification: Benign for Amelogenesis imperfecta hypomaturation type 2A2. Last evaluated: 2018-01-13. Review status: criteria provided, single submitter. Criteria: ICSL Variant Classification Criteria 13 December 2019. Collection method: clinical testing. Allele origin: germline.
Comment: This variant was observed in the ICSL laboratory as part of a predisposition screen in an ostensibly healthy population. It had not been previously curated by ICSL or reported in the Human Gene Mutation Database (HGMD: prior to June 1st, 2018), and was therefore a candidate for classification through an automated scoring system. Utilizing variant allele frequency, disease prevalence and penetrance estimates, and inheritance mode, an automated score was calculated to assess if this variant is too frequent to cause the disease. Based on the score and internal cut-off values, a variant classified as benign is not then subjected to further curation. The score for this variant resulted in a classification of benign for this disease.

Breakthrough Genomics
Classification: Benign. Review status: criteria provided, single submitter. Criteria: ACMG Guidelines, 2015. Collection method: not provided. Allele origin: germline. Inheritance: Autosomal recessive inheritance. Affected: yes.

PreventionGenetics, part of Exact Sciences
Classification: Benign. Review status: criteria provided, single submitter. Criteria: ACMG Guidelines, 2015. Collection method: clinical testing. Allele origin: germline.

NM_004771.4(MMP20):c.53A>C (p.Lys18Thr)

Gene: MMP20 (matrix metallopeptidase 20; minus strand). Cytogenetic location: 11q22.2.
Variant type: single nucleotide variant.
Coding change: c.53A>C on transcript NM_004771.4 (MANE Select); coding-DNA position 53, A replaced by C.
Protein change: p.Lys18Thr; replaces lysine 18 with threonine.
Molecular consequence: missense variant.
Genome position (GRCh38, 1-based): chr11:102,625,267, T>G on the plus strand (A>C on the coding strand, the complement: MMP20 is on the minus strand). VCF-style: chr11-102625267-T-G. GRCh37 (hg19) VCF-style: chr11-102495998-T-G.
Other names: short protein forms K18T.
Identifiers: ClinVar variation 259539 (VCV000259539.12), dbSNP rs2245803, ClinGen allele CA6248594.